The following is an entry in ClinVar:

ClinVar aggregate classification (germline): Uncertain significance. Review status: criteria provided, multiple submitters, no conflicts (2 of 4 stars). 2 submissions from 2 submitters: Uncertain significance (2). Last evaluated 2026-07-22.

Conditions:
Desmin-related myofibrillar myopathy (MFM1). Also called: MYOFIBRILLAR MYOPATHY WITH ARRHYTHMOGENIC RIGHT VENTRICULAR CARDIOMYOPATHY; Desminopathy; Desmin related myopathy (former name); Desmin storage myopathy (former name); DESMIN-RELATED MYOPATHY WITH ARRHYTHMOGENIC RIGHT VENTRICULAR CARDIOMYOPATHY; Myofibrillar myopathy 1. Identifiers: Orphanet 363543, Orphanet 98909, MedGen C1832370, MONDO:0011076, OMIM 601419.
Cardiovascular phenotype. Identifiers: MedGen CN230736.

gnomAD v4.1: 2 of 1,580,736 alleles (0.00013%); highest among the groups gnomAD compares: African/African-American, 0.0013%; no homozygotes.

Submissions (2):

Ambry Genetics
Classification: Uncertain significance for Cardiovascular phenotype. Last evaluated: 2026-07-22. Review status: criteria provided, single submitter. Criteria: Ambry Variant Classification Scheme 2023. Collection method: clinical testing. Allele origin: germline.
Comment: The p.R70Q variant (also known as c.209G>A), located in coding exon 1 of the DES gene, results from a G to A substitution at nucleotide position 209. The arginine at codon 70 is replaced by glutamine, an amino acid with highly similar properties. This amino acid position is not well conserved in available vertebrate species. In addition, the in silico prediction for this alteration is inconclusive. Based on the available evidence, the clinical significance of this variant remains unclear.

Labcorp Genetics (formerly Invitae), Labcorp
Classification: Uncertain significance for Desmin-related myofibrillar myopathy. Last evaluated: 2024-07-26. Review status: criteria provided, single submitter. Criteria: Invitae Variant Classification Sherloc (09022015). Collection method: clinical testing. Allele origin: germline.
Comment: This sequence change replaces arginine, which is basic and polar, with glutamine, which is neutral and polar, at codon 70 of the DES protein (p.Arg70Gln). The frequency data for this variant in the population databases is considered unreliable, as metrics indicate poor data quality at this position in the gnomAD database. This variant has not been reported in the literature in individuals affected with DES-related conditions. Advanced modeling of protein sequence and biophysical properties (such as structural, functional, and spatial information, amino acid conservation, physicochemical variation, residue mobility, and thermodynamic stability) has been performed at Invitae for this missense variant, however the output from this modeling did not meet the statistical confidence thresholds required to predict the impact of this variant on DES protein function. In summary, the available evidence is currently insufficient to determine the role of this variant in disease. Therefore, it has been classified as a Variant of Uncertain Significance.

NM_001927.4(DES):c.209G>A (p.Arg70Gln)

Gene: DES (desmin; plus strand). Cytogenetic location: 2q35.
Variant type: single nucleotide variant.
Coding change: c.209G>A on transcript NM_001927.4 (MANE Select); coding-DNA position 209, G replaced by A.
Protein change: p.Arg70Gln; replaces arginine 70 with glutamine.
Molecular consequence: missense variant.
Genome position (GRCh38, 1-based): chr2:219,418,671, G>A. VCF-style: chr2-219418671-G-A. GRCh37 (hg19) VCF-style: chr2-220283393-G-A.
Other names: c.209G>A, p.Arg70Gln (NM_001382708.1, NM_001382709.1, NM_001382710.1 and 3 more transcripts); short protein forms R70Q.
Identifiers: ClinVar variation 3757420 (VCV003757420.3).
Genomic context (GRCh38, chr2:219,418,671, plus strand): 5'-CGTCCCGCGTGTACCAGGTGTCGCGCACGTCGGGCGGGGCCGGGGGCCTGGGGTCGCTGC[G>A]GGCCAGCCGGCTGGGGACCACCCGCACGCCCTCCTCCTACGGCGCAGGCGAGCTGCTGGA-3'
Protein context (NP_001918.3, residues 60-80): SGGAGGLGSL[Arg70Gln]ASRLGTTRTP